The following is an entry in ClinVar:

ClinVar aggregate classification (germline): Likely benign (1 of 4 stars; one submission).

Allele frequency attached by ClinVar (database versions not stated): ExAC 0.00011.
gnomAD v4.1: 55 of 1,609,104 alleles (0.0034%); highest among the groups gnomAD compares: Admixed American, 0.0051%; no homozygotes.

Submission:

CeGaT Center for Human Genetics Tuebingen
Classification: Likely benign. Last evaluated: 2024-02-01. Review status: criteria provided, single submitter. Criteria: CeGaT Center For Human Genetics Tuebingen Variant Classification Criteria Version 2. Collection method: clinical testing. Allele origin: germline. Affected: yes. Observed: 1 variant allele.
Comment: RREB1: BP4

NM_001003699.4(RREB1):c.3427G>A (p.Glu1143Lys)

Gene: RREB1 (ras responsive element binding protein 1; plus strand). Cytogenetic location: 6p24.3.
Variant type: single nucleotide variant.
Coding change: c.3427G>A on transcript NM_001003699.4 (MANE Select); coding-DNA position 3427, G replaced by A.
Protein change: p.Glu1143Lys; replaces glutamic acid 1143 with lysine.
Molecular consequence: missense variant.
Genome position (GRCh38, 1-based): chr6:7,231,526, G>A. VCF-style: chr6-7231526-G-A. GRCh37 (hg19) VCF-style: chr6-7231759-G-A.
Other names: c.3427G>A, p.Glu1143Lys (NM_001003698.4, NM_001003700.2, NM_001168344.2); short protein forms E1143K.
Identifiers: ClinVar variation 3025372 (VCV003025372.22), dbSNP rs778437778, ClinGen allele CA3626174.